The following is an entry in ClinVar:

ClinVar aggregate classification (germline): Pathogenic/Likely pathogenic. Review status: criteria provided, multiple submitters, no conflicts (2 of 4 stars). 2 submissions from 2 submitters: Pathogenic (1); Likely pathogenic (1). Last evaluated 2026-04-01.

Submissions (2):

GeneDx
Classification: Pathogenic. Last evaluated: 2026-04-01. Review status: criteria provided, single submitter. Criteria: GeneDx Variant Classification Process June 2021. Collection method: clinical testing. Allele origin: germline.
Comment: Nonsense variant predicted to result in protein truncation in a gene for which loss of function is a known mechanism of disease; Not observed at significant frequency in large population cohorts (gnomAD); This variant is associated with the following publications: (PMID: 19531215)

Center for Genomic Medicine, Rigshospitalet, Copenhagen University Hospital
Classification: Likely pathogenic. Last evaluated: 2025-03-04. Review status: criteria provided, single submitter. Criteria: ACMG Guidelines, 2015. Collection method: clinical testing. Allele origin: germline.

Literature cited by the submitters: PubMed 19531215 (cited by Center for Genomic Medicine, Rigshospitalet, Copenhagen University Hospital).

NM_000038.6(APC):c.4219_4220del (p.Gln1406_Ser1407insTer)

Gene: APC (APC regulator of Wnt signaling pathway; plus strand). Cytogenetic location: 5q22.2.
Variant type: Microsatellite.
Coding change: c.4219_4220del on transcript NM_000038.6 (MANE Select); coding-DNA positions 4219 to 4220, 2 bases deleted (AG; older notation c.4219_4220delAG).
Protein change: p.Gln1406_Ser1407insTer.
Molecular consequence: nonsense. On other transcripts: non-coding transcript variant (2).
Genome position (GRCh38, 1-based): chr5:112,839,813-112,839,814, AG deleted; deleting any 2 consecutive bases within chr5:112,839,811-112,839,814 gives the same sequence; the c. name uses the placement nearest the transcript's 3' end. VCF-style (leftmost placement, unchanged base first): chr5-112839810-CAG-C. GRCh37 (hg19) VCF-style: chr5-112175507-CAG-C.
Other names: c.4219_4220del, p.Gln1406_Ser1407insTer (NM_001127510.3, NM_001354895.2, NM_001407450.1); c.4165_4166del, p.Gln1388_Ser1389insTer (NM_001127511.3); c.4273_4274del, p.Gln1424_Ser1425insTer (NM_001354896.2, NM_001407447.1, NM_001407448.1 and 1 more transcripts); c.4249_4250del, p.Gln1416_Ser1417insTer (NM_001354897.2); c.4144_4145del, p.Gln1381_Ser1382insTer (NM_001354898.2); c.4135_4136del, p.Gln1378_Ser1379insTer (NM_001354899.2); c.4096_4097del, p.Gln1365_Ser1366insTer (NM_001354900.2); c.4042_4043del, p.Gln1347_Ser1348insTer (NM_001354901.2, NM_001407453.1); and 12 more.
Identifiers: ClinVar variation 2575456 (VCV002575456.3), dbSNP rs2533557589, ClinGen allele CA645543786.